The following is an entry in ClinVar:

ClinVar aggregate classification (germline): Uncertain significance (0 of 4 stars; one submission).

Conditions:
RPGRIP1L-related disorder. Also called: RPGRIP1L-related condition; RPGRIP1L-related disorders. Identifiers: MedGen CN239416.

Submission:

PreventionGenetics, part of Exact Sciences
Classification: Uncertain significance for RPGRIP1L-related condition. Last evaluated: 2024-02-14. Review status: no assertion criteria provided. Collection method: clinical testing. Allele origin: germline.
Comment: The RPGRIP1L c.1879A>G variant is predicted to result in the amino acid substitution p.Lys627Glu. To our knowledge, this variant has not been reported in the literature or in gnomAD, indicating this variant is rare. At this time, the clinical significance of this variant is uncertain due to the absence of conclusive functional and genetic evidence.

NM_015272.5(RPGRIP1L):c.1879A>G (p.Lys627Glu)

Gene: RPGRIP1L (RPGRIP1 like; minus strand). Cytogenetic location: 16q12.2.
Variant type: single nucleotide variant.
Coding change: c.1879A>G on transcript NM_015272.5 (MANE Select); coding-DNA position 1879, A replaced by G.
Protein change: p.Lys627Glu; replaces lysine 627 with glutamic acid.
Molecular consequence: missense variant.
Genome position (GRCh38, 1-based): chr16:53,652,808, T>C on the plus strand (A>G on the coding strand, the complement: RPGRIP1L is on the minus strand). VCF-style: chr16-53652808-T-C. GRCh37 (hg19) VCF-style: chr16-53686720-T-C.
Other names: c.1879A>G, p.Lys627Glu (NM_001127897.4, NM_001308334.3, NM_001330538.2); short protein forms K627E.
Identifiers: ClinVar variation 3347998 (VCV003347998.1).